The following is an entry in ClinVar:

ClinVar aggregate classification (germline): Uncertain significance. Review status: criteria provided, multiple submitters, no conflicts (2 of 4 stars). 2 submissions from 2 submitters: Uncertain significance (2). Last evaluated 2025-08-07.

Conditions:
Inborn genetic diseases. Identifiers: MedGen C0950123, MeSH D030342.

Allele frequency attached by ClinVar (database versions not stated): ExAC 0.00001; gnomAD 0.00001; gnomAD exomes 0.00003.
gnomAD v4.1: 13 of 1,566,626 alleles (0.00083%); highest among the groups gnomAD compares: Admixed American, 0.023%; no homozygotes.

Submissions (2):

Ambry Genetics
Classification: Uncertain significance for Inborn genetic diseases. Last evaluated: 2025-08-07. Review status: criteria provided, single submitter. Criteria: Ambry Variant Classification Scheme 2023. Collection method: clinical testing. Allele origin: germline.

Labcorp Genetics (formerly Invitae), Labcorp
Classification: Uncertain significance. Last evaluated: 2022-09-07. Review status: criteria provided, single submitter. Criteria: Invitae Variant Classification Sherloc (09022015). Collection method: clinical testing. Allele origin: germline.
Comment: This sequence change replaces valine, which is neutral and non-polar, with isoleucine, which is neutral and non-polar, at codon 1190 of the MPDZ protein (p.Val1190Ile). This variant is present in population databases (rs753540040, gnomAD 0.02%). This variant has not been reported in the literature in individuals affected with MPDZ-related conditions. ClinVar contains an entry for this variant (Variation ID: 1524902). Algorithms developed to predict the effect of missense changes on protein structure and function are either unavailable or do not agree on the potential impact of this missense change (SIFT: "Deleterious"; PolyPhen-2: "Benign"; Align-GVGD: "Class C25"). In summary, the available evidence is currently insufficient to determine the role of this variant in disease. Therefore, it has been classified as a Variant of Uncertain Significance.

NM_001378778.1(MPDZ):c.3568G>A (p.Val1190Ile)

Gene: MPDZ (multiple PDZ domain crumbs cell polarity complex component; minus strand). Cytogenetic location: 9p23.
Variant type: single nucleotide variant.
Coding change: c.3568G>A on transcript NM_001378778.1 (MANE Select); coding-DNA position 3568, G replaced by A.
Protein change: p.Val1190Ile; replaces valine 1190 with isoleucine.
Molecular consequence: missense variant.
Genome position (GRCh38, 1-based): chr9:13,150,573, C>T on the plus strand (G>A on the coding strand, the complement: MPDZ is on the minus strand). VCF-style: chr9-13150573-C-T. GRCh37 (hg19) VCF-style: chr9-13150572-C-T.
Other names: c.3568G>A, p.Val1190Ile (NM_001261406.2, NM_001261407.2, NM_001330637.2 and 13 more transcripts); c.3370G>A, p.Val1124Ile (NM_001375427.1); c.3568G>A (NM_003829.3); short protein forms V1124I, V1190I.
Identifiers: ClinVar variation 1524902 (VCV001524902.4), dbSNP rs753540040, ClinGen allele CA4987077.